The following is an entry in ClinVar:

NM_002133.3(HMOX1):c.575C>A (p.Thr192Asn)

Gene: HMOX1 (heme oxygenase 1; plus strand). Cytogenetic location: 22q12.3.
Variant type: single nucleotide variant.
Coding change: c.575C>A on transcript NM_002133.3 (MANE Select); coding-DNA position 575, C replaced by A.
Protein change: p.Thr192Asn; replaces threonine 192 with asparagine.
Molecular consequence: missense variant.
Genome position (GRCh38, 1-based): chr22:35,387,115, C>A. VCF-style: chr22-35387115-C-A. GRCh37 (hg19) VCF-style: chr22-35783108-C-A.
Other names: short protein forms T192N.
Identifiers: ClinVar variation 1506489 (VCV001506489.5), dbSNP rs367760328, ClinGen allele CA10204751.

ClinVar aggregate classification (germline): Uncertain significance (1 of 4 stars; one submission).

Allele frequency attached by ClinVar (database versions not stated): gnomAD exomes below 0.00001 and 0.00001; TOPMed 0.00001; ExAC 0.00002; ESP Exome Variant Server 0.00008.
gnomAD v4.1: 10 of 1,613,626 alleles (0.00062%); highest among the groups gnomAD compares: Non-Finnish European, 0.00085%; no homozygotes.

Submission:

Labcorp Genetics (formerly Invitae), Labcorp
Classification: Uncertain significance. Last evaluated: 2021-09-24. Review status: criteria provided, single submitter. Criteria: Invitae Variant Classification Sherloc (09022015). Collection method: clinical testing. Allele origin: germline.
Comment: This sequence change replaces threonine with asparagine at codon 192 of the HMOX1 protein (p.Thr192Asn). The threonine residue is moderately conserved and there is a small physicochemical difference between threonine and asparagine. This variant is present in population databases (rs367760328, ExAC 0.01%). This variant has not been reported in the literature in individuals with HMOX1-related conditions. Algorithms developed to predict the effect of missense changes on protein structure and function (SIFT, PolyPhen-2, Align-GVGD) all suggest that this variant is likely to be tolerated, but these predictions have not been confirmed by published functional studies and their clinical significance is uncertain. In summary, the available evidence is currently insufficient to determine the role of this variant in disease. Therefore, it has been classified as a Variant of Uncertain Significance.